The following is an entry in ClinVar:

ClinVar aggregate classification (germline): Conflicting classifications of pathogenicity. Review status: criteria provided, conflicting classifications (1 of 4 stars). 5 submissions from 5 submitters: Uncertain significance (4); Likely benign (1). Last evaluated 2026-08-04.

Conditions:
TNNI3-related disorder. Also called: TNNI3-related disorders; TNNI3-related condition.
Cardiovascular phenotype. Identifiers: MedGen CN230736.
Cardiomyopathy (CMYO). Also called: Cardiomyopathies. Identifiers: Orphanet 167848, MedGen C0878544, MONDO:0004994, HP:0001638. Inheritance: Various modes of inheritance.
Hypertrophic cardiomyopathy. Also called: HYPERTROPHIC MYOCARDIOPATHY. Identifiers: Orphanet 217569, MedGen C0007194, MeSH D002312, MONDO:0005045, HP:0001639.

Allele frequency attached by ClinVar (database versions not stated): gnomAD 0.00003 and 0.00004; TOPMed 0.00003.
gnomAD v4.1: 5 of 1,612,600 alleles (0.00031%); highest among the groups gnomAD compares: African/African-American, 0.0053%; no homozygotes.

Submissions (5):

PreventionGenetics, part of Exact Sciences
Classification: Likely benign for TNNI3-related condition. Last evaluated: 2026-08-04. Review status: criteria provided, single submitter. Criteria: ACMG Guidelines, 2015. Collection method: clinical testing. Allele origin: germline.
Comment: This variant is classified as likely benign based on ACMG/AMP sequence variant interpretation guidelines (Richards et al. 2015 PMID: 25741868, with internal and published modifications).

Labcorp Genetics (formerly Invitae), Labcorp
Classification: Uncertain significance for Hypertrophic cardiomyopathy. Last evaluated: 2025-12-31. Review status: criteria provided, single submitter. Criteria: Invitae Variant Classification Sherloc (09022015). Collection method: clinical testing. Allele origin: germline.
Comment: This sequence change falls in intron 5 of the TNNI3 gene. It does not directly change the encoded amino acid sequence of the TNNI3 protein. It affects a nucleotide within the consensus splice site. This variant is present in population databases (no rsID available, gnomAD 0.02%). This variant has not been reported in the literature in individuals affected with TNNI3-related conditions. ClinVar contains an entry for this variant (Variation ID: 237690). Variants that disrupt the consensus splice site are a relatively common cause of aberrant splicing (PMID: 17576681, 9536098). Algorithms developed to predict the effect of sequence changes on RNA splicing suggest that this variant is not likely to affect RNA splicing. In summary, the available evidence is currently insufficient to determine the role of this variant in disease. Therefore, it has been classified as a Variant of Uncertain Significance.

Ambry Genetics
Classification: Uncertain significance for Cardiovascular phenotype. Last evaluated: 2025-02-07. Review status: criteria provided, single submitter. Criteria: Ambry Variant Classification Scheme 2023. Collection method: clinical testing. Allele origin: germline.
Comment: The c.282+5C>G intronic variant results from a C to G substitution 5 nucleotides after coding exon 5 in the TNNI3 gene. This nucleotide position is not well conserved in available vertebrate species. In silico splice site analysis predicts that this alteration will not have any significant effect on splicing. Based on the available evidence, the clinical significance of this variant remains unclear.

All of Us Research Program, National Institutes of Health
Classification: Uncertain significance for Hypertrophic cardiomyopathy. Last evaluated: 2024-09-23. Review status: criteria provided, single submitter. Criteria: ACMG Guidelines, 2015. Collection method: clinical testing. Allele origin: germline. Inheritance: Autosomal dominant inheritance. Observed: 6 variant alleles, 6 heterozygotes.
Comment: This variant causes a C to G nucleotide substitution at the +5 position of intron 5 of the TNNI3 gene. To our knowledge, functional studies have not been reported for this variant. This variant has not been reported in individuals affected with TNNI3-related disorders in the literature. This variant has been identified in 2/31314 chromosomes in the general population by the Genome Aggregation Database (gnomAD). The available evidence is insufficient to determine the role of this variant in disease conclusively. Therefore, this variant is classified as a Variant of Uncertain Significance.

This study involves interpretation of variants in research participants for the purpose of population health screening. Participant phenotype was not available at the time of variant classification. Additional details can be found in publication PMID: 35346344, PMCID: PMC8962531

CHEO Genetics Diagnostic Laboratory, Children's Hospital of Eastern Ontario
Classification: Uncertain significance for Cardiomyopathy. Last evaluated: 2023-03-15. Review status: criteria provided, single submitter. Criteria: ACMG Guidelines, 2015. Collection method: clinical testing. Allele origin: germline.

Literature cited by the submitters: PubMed 17576681 (cited by Labcorp Genetics (formerly Invitae), Labcorp); PubMed 9536098 (cited by Labcorp Genetics (formerly Invitae), Labcorp).

NM_000363.5(TNNI3):c.282+5C>G

Gene: TNNI3 (troponin I3, cardiac type; minus strand). Cytogenetic location: 19q13.42.
Variant type: single nucleotide variant.
Coding change: c.282+5C>G on transcript NM_000363.5 (MANE Select); 5 bases into the intron after coding-DNA position 282, C replaced by G.
Molecular consequence: intron variant.
Genome position (GRCh38, 1-based): chr19:55,156,196, G>C on the plus strand (C>G on the coding strand, the complement: TNNI3 is on the minus strand). VCF-style: chr19-55156196-G-C. GRCh37 (hg19) VCF-style: chr19-55667564-G-C.
Other names: c.282+5C>G (LRG_432t1).
Identifiers: ClinVar variation 237690 (VCV000237690.15), dbSNP rs770260866, ClinGen allele CA10583864.